The following is an entry in ClinVar:

NM_000051.4(ATM):c.1065+19G>A

Gene: ATM (ATM serine/threonine kinase; plus strand). Cytogenetic location: 11q22.3.
Variant type: single nucleotide variant.
Coding change: c.1065+19G>A on transcript NM_000051.4 (MANE Select); 19 bases into the intron after coding-DNA position 1065, G replaced by A.
Molecular consequence: intron variant.
Genome position (GRCh38, 1-based): chr11:108,247,146, G>A. VCF-style: chr11-108247146-G-A. GRCh37 (hg19) VCF-style: chr11-108117873-G-A.
Other names: c.1065+19G>A (NM_001351834.2, NM_000051.3).
Identifiers: ClinVar variation 2893352 (VCV002893352.4), dbSNP rs2079894242, ClinGen allele CA1998767561.
Genomic context (GRCh38, chr11:108,247,146, plus strand): 5'-AAAGAAAATTTGATTGAATTGATGGCAGATATCTGTCACCAGGTACAGTAAGTAGGTCAT[G>A]TCACATTTAGAAATTTCCTGTTAATTTTTTTTTTAAACTGGGCATTTTGGGCTTTTAAAA-3'

ClinVar aggregate classification (germline): Conflicting classifications of pathogenicity. Review status: criteria provided, conflicting classifications (1 of 4 stars). 2 submissions from 2 submitters: Uncertain significance (1); Likely benign (1). Last evaluated 2024-10-15.

Conditions:
Hereditary cancer-predisposing syndrome. Also called: Neoplastic Syndromes, Hereditary; Tumor predisposition; Hereditary neoplastic syndrome; Hereditary Cancer Syndrome. Identifiers: Orphanet 140162, MedGen C0027672, MeSH D009386, MONDO:0015356.
Ataxia-telangiectasia syndrome (AT). Also called: Cerebello-oculocutaneous telangiectasia; Immunodeficiency with ataxia telangiectasia; AT, COMPLEMENTATION GROUP C; ATAXIA-TELANGIECTASIA, FRESNO VARIANT; ATAXIA-TELANGIECTASIA, COMPLEMENTATION GROUP A; Ataxia-telangiectasia. Identifiers: Orphanet 100, MedGen C0004135, MONDO:0008840, OMIM 208900.

Allele frequency attached by ClinVar (database versions not stated): gnomAD exomes below 0.00001.
gnomAD v4.1: 4 of 1,612,872 alleles (0.00025%); highest among the groups gnomAD compares: East Asian, 0.0022%; no homozygotes.

Submissions (2):

Labcorp Genetics (formerly Invitae), Labcorp
Classification: Likely benign for Ataxia-telangiectasia syndrome. Last evaluated: 2024-10-15. Review status: criteria provided, single submitter. Criteria: Invitae Variant Classification Sherloc (09022015). Collection method: clinical testing. Allele origin: germline.

Ambry Genetics
Classification: Uncertain significance for Hereditary cancer-predisposing syndrome. Last evaluated: 2015-05-19. Review status: criteria provided, single submitter. Criteria: Ambry Variant Classification Scheme 2023. Collection method: clinical testing. Allele origin: germline.
Comment: The c.1065+19G>A intronic alteration consists of a G to A substitution 9 nucleotides after coding exon 7 in the ATM gene. Based on insufficient or conflicting evidence, the clinical significance of this alteration remains unclear.